The following is an entry in ClinVar:

ClinVar aggregate classification (germline): Uncertain significance. Review status: criteria provided, multiple submitters, no conflicts (2 of 4 stars). 2 submissions from 2 submitters: Uncertain significance (2). Last evaluated 2025-12-18.

Allele frequency attached by ClinVar (database versions not stated): TOPMed 0.00012; gnomAD 0.00013 and 0.00014; gnomAD exomes 0.00014 and 0.00015; ESP Exome Variant Server 0.00015; 1000 Genomes Project 30x 0.00016; ExAC 0.00019; 1000 Genomes Project 0.00020.

Submissions (2):

Labcorp Genetics (formerly Invitae), Labcorp
Classification: Uncertain significance. Last evaluated: 2025-12-18. Review status: criteria provided, single submitter. Criteria: Invitae Variant Classification Sherloc (09022015). Collection method: clinical testing. Allele origin: germline.
Comment: This sequence change replaces methionine, which is neutral and non-polar, with arginine, which is basic and polar, at codon 701 of the GUCY2C protein (p.Met701Arg). This variant is present in population databases (rs147109435, gnomAD 0.07%). This variant has not been reported in the literature in individuals affected with GUCY2C-related conditions. ClinVar contains an entry for this variant (Variation ID: 1364417). Invitae Evidence Modeling of protein sequence and biophysical properties (such as structural, functional, and spatial information, amino acid conservation, physicochemical variation, residue mobility, and thermodynamic stability) indicates that this missense variant is not expected to disrupt GUCY2C protein function with a negative predictive value of 80%. In summary, the available evidence is currently insufficient to determine the role of this variant in disease. Therefore, it has been classified as a Variant of Uncertain Significance.

CeGaT Center for Human Genetics Tuebingen
Classification: Uncertain significance. Last evaluated: 2025-10-01. Review status: criteria provided, single submitter. Criteria: CeGaT Center For Human Genetics Tuebingen Variant Classification Criteria Version 2. Collection method: clinical testing. Allele origin: germline. Affected: yes. Observed: 1 variant allele.
Comment: GUCY2C: PM2, BP4

NM_004963.4(GUCY2C):c.2102T>G (p.Met701Arg)

Gene: GUCY2C (guanylate cyclase 2C; minus strand). Cytogenetic location: 12p12.3.
Variant type: single nucleotide variant.
Coding change: c.2102T>G on transcript NM_004963.4 (MANE Select); coding-DNA position 2102, T replaced by G.
Protein change: p.Met701Arg; replaces methionine 701 with arginine.
Molecular consequence: missense variant.
Genome position (GRCh38, 1-based): chr12:14,639,917, A>C on the plus strand (T>G on the coding strand, the complement: GUCY2C is on the minus strand). VCF-style: chr12-14639917-A-C. GRCh37 (hg19) VCF-style: chr12-14792851-A-C.
Other names: short protein forms M701R.
Identifiers: ClinVar variation 1364417 (VCV001364417.12), dbSNP rs147109435, ClinGen allele CA6463178.